The following is an entry in ClinVar:

NM_019892.6(INPP5E):c.874C>G (p.Arg292Gly)

Gene: INPP5E (inositol polyphosphate-5-phosphatase E; minus strand). Cytogenetic location: 9q34.3.
Variant type: single nucleotide variant.
Coding change: c.874C>G on transcript NM_019892.6 (MANE Select); coding-DNA position 874, C replaced by G.
Protein change: p.Arg292Gly; replaces arginine 292 with glycine.
Molecular consequence: missense variant.
Genome position (GRCh38, 1-based): chr9:136,434,802, G>C on the plus strand (C>G on the coding strand, the complement: INPP5E is on the minus strand). VCF-style: chr9-136434802-G-C. GRCh37 (hg19) VCF-style: chr9-139329254-G-C.
Other names: c.874C>G (NM_019892.5); c.874C>G, p.Arg292Gly (NM_001318502.2); short protein forms R292G.
Identifiers: ClinVar variation 857108 (VCV000857108.13), dbSNP rs753742613, ClinGen allele CA5337047.
Genomic context (GRCh38, chr9:136,434,802, plus strand): 5'-TCTGGCCCTGCATGTTCCAGGTGGCCACGAAGAGTGCCACGTTCCGGTCTGGGAAGTAGC[G>C]GGCCAGCTCATCCGCCCCCAACAGGGCCCCGCTGGCCAGGAGGCTGCCCTCCAGGTAACT-3'
Protein context (NP_063945.2, residues 282-302): GALLGADELA[Arg292Gly]YFPDRNVALF

ClinVar aggregate classification (germline): Conflicting classifications of pathogenicity. Review status: criteria provided, conflicting classifications (1 of 4 stars). 6 submissions from 6 submitters: Pathogenic (1); Likely pathogenic (2); Uncertain significance (2). 1 of the submissions does not count toward it. Last evaluated 2025-08-04.

Conditions:
INPP5E-related disorder. Also called: INPP5E-related condition.
Joubert syndrome 1 (JBTS1). Also called: Cerebellooculorenal syndrome 1; CEREBELLOPARENCHYMAL DISORDER IV. Identifiers: MedGen C4551568, MONDO:0008944, OMIM 213300.
MORM syndrome (MORMS). Identifiers: Orphanet 75858, MedGen C1857802, MONDO:0012423, OMIM 610156.
Joubert syndrome. Also called: JOUBERT-BOLTSHAUSER SYNDROME; Familial aplasia of the vermis. Identifiers: Orphanet 475, MedGen C5979921, MONDO:0018772.

Allele frequency attached by ClinVar (database versions not stated): TOPMed 0.00002; gnomAD exomes 0.00001; ExAC 0.00002.
gnomAD v4.1: 21 of 1,611,340 alleles (0.0013%); highest among the groups gnomAD compares: Admixed American, 0.0017%; no homozygotes.

Submissions (6):

Dasa
Classification: Uncertain significance. Last evaluated: 2025-08-04. Review status: criteria provided, single submitter. Criteria: DASA Assertion Criteria. Collection method: clinical testing. Allele origin: germline.
Comment: NM_019892.6(INPP5E):c.874C>G (p.Arg292Gly) is a missense variant that results in the substitution of arginine with glycine. This variant is rare in population databases. Computational prediction algorithms are consistent with a deleterious effect. The currently available literature and clinical evidence are not sufficient to establish a definitive association between this variant and the reported condition. Therefore, this variant is classified as a variant of uncertain significance.

Labcorp Genetics (formerly Invitae), Labcorp
Classification: Pathogenic for Joubert syndrome. Last evaluated: 2025-03-31. Review status: criteria provided, single submitter. Criteria: Invitae Variant Classification Sherloc (09022015). Collection method: clinical testing. Allele origin: germline.
Comment: This sequence change replaces arginine, which is basic and polar, with glycine, which is neutral and non-polar, at codon 292 of the INPP5E protein (p.Arg292Gly). This variant is present in population databases (rs753742613, gnomAD 0.003%). This missense change has been observed in individual(s) with retinitis pigmentosa (PMID: 28559085; internal data). In at least one individual the data is consistent with being in trans (on the opposite chromosome) from a pathogenic variant. ClinVar contains an entry for this variant (Variation ID: 857108). Invitae Evidence Modeling of protein sequence and biophysical properties (such as structural, functional, and spatial information, amino acid conservation, physicochemical variation, residue mobility, and thermodynamic stability) has been performed for this missense variant. However, the output from this modeling did not meet the statistical confidence thresholds required to predict the impact of this variant on INPP5E protein function. For these reasons, this variant has been classified as Pathogenic.

Blueprint Genetics
Classification: Likely pathogenic for INPP5E-related disorders. Last evaluated: 2024-10-30. Review status: criteria provided, single submitter. Criteria: ACMG Guidelines, 2015. Collection method: clinical testing. Allele origin: germline. Affected: yes. Observed: 5 variant alleles.

GeneDx
Classification: Uncertain significance. Last evaluated: 2024-02-21. Review status: criteria provided, single submitter. Criteria: GeneDx Variant Classification Process June 2021. Collection method: clinical testing. Allele origin: germline. Affected: yes.
Comment: Not observed at significant frequency in large population cohorts (gnomAD); In silico analysis supports that this missense variant has a deleterious effect on protein structure/function; Identified in individuals with inherited retinal disease in the published literature (PMID: 36460718, 28559085); This variant is associated with the following publications: (PMID: 23386033, 28559085, 36460718)

Fulgent Genetics
Classification: Likely pathogenic for Joubert syndrome 1; MORM syndrome. Last evaluated: 2024-01-03. Review status: criteria provided, single submitter. Criteria: ACMG Guidelines, 2015. Collection method: clinical testing. Allele origin: germline.

PreventionGenetics, part of Exact Sciences
Classification: Uncertain significance for INPP5E-related condition. Last evaluated: 2024-09-19. Review status: no assertion criteria provided. Collection method: clinical testing. Allele origin: germline. Not counted in ClinVar's aggregate classification.
Comment: The INPP5E c.874C>G variant is predicted to result in the amino acid substitution p.Arg292Gly. This variant along with a second variant in this gene was reported in an individual with retinitis pigmentosa (Table S1, Stone et al. 2017. PubMed ID: 28559085). This variant was also reported in a cohort of individuals with inherited retinal diseases, although detailed clinical information was not available (Table S1, Karali et al. 2022. PubMed ID: 36460718). This variant is reported in 0.0027% of alleles in individuals of European (Non-Finnish) descent in gnomAD. Although we suspect that this variant may be pathogenic, at this time, the clinical significance of this variant is uncertain due to the absence of conclusive functional and genetic evidence.

Literature cited by the submitters: PubMed 28559085 (cited by Labcorp Genetics (formerly Invitae), Labcorp).